The following is an entry in ClinVar:

NM_001194.4(HCN2):c.1301C>T (p.Ala434Val)

Gene: HCN2 (hyperpolarization activated cyclic nucleotide gated potassium and sodium channel 2; plus strand). Cytogenetic location: 19p13.3.
Variant type: single nucleotide variant.
Coding change: c.1301C>T on transcript NM_001194.4 (MANE Select); coding-DNA position 1301, C replaced by T.
Protein change: p.Ala434Val; replaces alanine 434 with valine.
Molecular consequence: missense variant.
Genome position (GRCh38, 1-based): chr19:608,046, C>T. VCF-style: chr19-608046-C-T. GRCh37 (hg19) VCF-style: chr19-608046-C-T.
Other names: short protein forms A434V.
Identifiers: ClinVar variation 5007971 (VCV005007971.1).

ClinVar aggregate classification (germline): Uncertain significance (1 of 4 stars; one submission).

gnomAD v4.1: 9 of 1,612,734 alleles (0.00056%); highest among the groups gnomAD compares: African/African-American, 0.0013%; no homozygotes.

Submission:

GeneDx
Classification: Uncertain significance. Last evaluated: 2026-03-05. Review status: criteria provided, single submitter. Criteria: GeneDx Variant Classification Process June 2021. Collection method: clinical testing. Allele origin: germline.
Comment: In silico analysis supports that this missense variant has a deleterious effect on protein structure/function; Has not been previously published as pathogenic or benign to our knowledge